The following is an entry in ClinVar:

ClinVar aggregate classification (germline): Benign. Review status: criteria provided, single submitter (1 of 4 stars). 2 submissions from 2 submitters: Benign (1). 1 of the submissions does not count toward it. Last evaluated 2026-01-25.

Conditions:
MPDZ-related disorder. Also called: MPDZ-related condition.

Allele frequency attached by ClinVar (database versions not stated): gnomAD exomes 0.00017 and 0.00044; ExAC 0.00052; 1000 Genomes Project 30x 0.00094; 1000 Genomes Project 0.00120; gnomAD 0.00195 and 0.00219; TOPMed 0.00205; ESP Exome Variant Server 0.00209.
gnomAD v4.1: 563 of 1,597,406 alleles (0.035%); highest among the groups gnomAD compares: African/African-American, 0.64%; 4 homozygotes.

Submissions (2):

Labcorp Genetics (formerly Invitae), Labcorp
Classification: Benign. Last evaluated: 2026-01-25. Review status: criteria provided, single submitter. Criteria: Invitae Variant Classification Sherloc (09022015). Collection method: clinical testing. Allele origin: germline.

PreventionGenetics, part of Exact Sciences
Classification: Likely benign for MPDZ-related condition. Last evaluated: 2020-03-09. Review status: no assertion criteria provided. Collection method: clinical testing. Allele origin: germline. Not counted in ClinVar's aggregate classification.
Comment: This variant is classified as likely benign based on ACMG/AMP sequence variant interpretation guidelines (Richards et al. 2015 PMID: 25741868, with internal and published modifications).

NM_001378778.1(MPDZ):c.1301C>G (p.Thr434Arg)

Gene: MPDZ (multiple PDZ domain crumbs cell polarity complex component; minus strand). Cytogenetic location: 9p23.
Variant type: single nucleotide variant.
Coding change: c.1301C>G on transcript NM_001378778.1 (MANE Select); coding-DNA position 1301, C replaced by G.
Protein change: p.Thr434Arg; replaces threonine 434 with arginine.
Molecular consequence: missense variant.
Genome position (GRCh38, 1-based): chr9:13,206,089, G>C on the plus strand (C>G on the coding strand, the complement: MPDZ is on the minus strand). VCF-style: chr9-13206089-G-C. GRCh37 (hg19) VCF-style: chr9-13206088-G-C.
Other names: c.1301C>G, p.Thr434Arg (NM_001261406.2, NM_001261407.2, NM_001330637.2 and 14 more transcripts); short protein forms T434R.
Identifiers: ClinVar variation 790062 (VCV000790062.13), dbSNP rs187671655, ClinGen allele CA4987810.
Genomic context (GRCh38, chr9:13,206,089, plus strand): 5'-GTTTGTCCTGTATGTCGCAATACCTCTACTGCTTGCTGATTAGTAAAACCCTGAAGGTTT[G>C]TGCCATCTACCTGTGATTAAAAAAAAAAAAAAGCATGTTACATGTTAAATAAATGGATAT-3'
Protein context (NP_001365707.1, residues 424-444): IGDQIIAVDG[Thr434Arg]NLQGFTNQQA